The following is an entry in ClinVar:

ClinVar aggregate classification (germline): Uncertain significance (1 of 4 stars; one submission).

Conditions:
Cardiovascular phenotype. Identifiers: MedGen CN230736.

Allele frequency attached by ClinVar (database versions not stated): gnomAD exomes below 0.00001; TOPMed below 0.00001; gnomAD 0.00001.
gnomAD v4.1: 3 of 1,614,072 alleles (0.00019%); highest among the groups gnomAD compares: South Asian, 0.0011%; no homozygotes.

Submission:

Ambry Genetics
Classification: Uncertain significance for Cardiovascular phenotype. Last evaluated: 2022-10-17. Review status: criteria provided, single submitter. Criteria: Ambry Variant Classification Scheme 2023. Collection method: clinical testing. Allele origin: germline.
Comment: The p.S511T variant (also known as c.1531T>A), located in coding exon 10 of the CBL gene, results from a T to A substitution at nucleotide position 1531. The serine at codon 511 is replaced by threonine, an amino acid with similar properties. This amino acid position is conserved. In addition, this alteration is predicted to be tolerated by in silico analysis. Since supporting evidence is limited at this time, the clinical significance of this alteration remains unclear.

NM_005188.4(CBL):c.1531T>A (p.Ser511Thr)

Gene: CBL (Cbl proto-oncogene; plus strand). Cytogenetic location: 11q23.3.
Variant type: single nucleotide variant.
Coding change: c.1531T>A on transcript NM_005188.4 (MANE Select); coding-DNA position 1531, T replaced by A.
Protein change: p.Ser511Thr; replaces serine 511 with threonine.
Molecular consequence: missense variant.
Genome position (GRCh38, 1-based): chr11:119,285,068, T>A. VCF-style: chr11-119285068-T-A. GRCh37 (hg19) VCF-style: chr11-119155778-T-A.
Other names: short protein forms S511T.
Identifiers: ClinVar variation 1774645 (VCV001774645.2), dbSNP rs1281086600, ClinGen allele CA382918368.